The following is an entry in ClinVar:

NM_004991.4(MECOM):c.1224A>C (p.Lys408Asn)

Gene: MECOM (MDS1 and EVI1 complex locus; minus strand). Cytogenetic location: 3q26.2.
Variant type: single nucleotide variant.
Coding change: c.1224A>C on transcript NM_004991.4 (MANE Select); coding-DNA position 1224, A replaced by C.
Protein change: p.Lys408Asn; replaces lysine 408 with asparagine.
Molecular consequence: missense variant. On other transcripts: intron variant (2).
Genome position (GRCh38, 1-based): chr3:169,116,648, T>G on the plus strand (A>C on the coding strand, the complement: MECOM is on the minus strand). VCF-style: chr3-169116648-T-G. GRCh37 (hg19) VCF-style: chr3-168834436-T-G.
Other names: c.663A>C, p.Lys221Asn (NM_001366468.2, NM_001366470.2, NM_001163999.2 and 1 more transcripts); c.660A>C, p.Lys220Asn (NM_001366469.2, NM_001366471.2, NM_001366472.2 and 4 more transcripts); c.1133-881A>C (NM_001366473.2); c.569-881A>C (NM_001366474.2); c.855A>C, p.Lys285Asn (NM_001105077.4); c.1224A>C, p.Lys408Asn (NM_001366466.2); short protein forms K408N, K220N, K285N, K221N.
Identifiers: ClinVar variation 2868846 (VCV002868846.3), dbSNP rs190002250, ClinGen allele CA2696376.
Genomic context (GRCh38, chr3:169,116,648, plus strand): 5'-CTCACAAAACCTCCTGTGTTTATTTAAGGAAGACGTAGTGCTGAACATTTGTCCACAGTC[T>G]TTGCACTTGATTTGGGTTCTGCAATCAGCATGCATGCGCTTATGACGGCAAAGGTTTGAA-3'
Protein context (NP_004982.2, residues 398-418): HADCRTQIKC[Lys408Asn]DCGQMFSTTS

ClinVar aggregate classification (germline): Uncertain significance (1 of 4 stars; one submission).

Allele frequency attached by ClinVar (database versions not stated): gnomAD 0.00001; 1000 Genomes Project 30x 0.00016; gnomAD exomes 0.00002; 1000 Genomes Project 0.00020; TOPMed 0.00001; ExAC 0.00002.
gnomAD v4.1: 35 of 1,614,172 alleles (0.0022%); highest among the groups gnomAD compares: Admixed American, 0.017%; 1 homozygote.

Submission:

Labcorp Genetics (formerly Invitae), Labcorp
Classification: Uncertain significance. Last evaluated: 2025-02-14. Review status: criteria provided, single submitter. Criteria: Invitae Variant Classification Sherloc (09022015). Collection method: clinical testing. Allele origin: germline.
Comment: This sequence change replaces lysine, which is basic and polar, with asparagine, which is neutral and polar, at codon 220 of the MECOM protein (p.Lys220Asn). This variant is present in population databases (rs190002250, gnomAD 0.009%), including at least one homozygous and/or hemizygous individual. This variant has not been reported in the literature in individuals affected with MECOM-related conditions. ClinVar contains an entry for this variant (Variation ID: 2868846). An algorithm developed to predict the effect of missense changes on protein structure and function (PolyPhen-2) suggests that this variant is likely to be disruptive. In summary, the available evidence is currently insufficient to determine the role of this variant in disease. Therefore, it has been classified as a Variant of Uncertain Significance.